The following is an entry in ClinVar:

NM_001368882.1(COL13A1):c.1230+1G>A

Gene: COL13A1 (collagen type XIII alpha 1 chain; plus strand). Cytogenetic location: 10q22.1.
Variant type: single nucleotide variant.
Coding change: c.1230+1G>A on transcript NM_001368882.1 (MANE Select); the canonical splice donor site of the intron after coding-DNA position 1230, G replaced by A.
Molecular consequence: splice donor variant.
Genome position (GRCh38, 1-based): chr10:69,922,795, G>A. VCF-style: chr10-69922795-G-A. GRCh37 (hg19) VCF-style: chr10-71682551-G-A.
Other names: c.1167+1G>A (NM_001320951.2, NM_001368884.1); c.1197+1G>A (NM_001130103.2); c.1131+1G>A (NM_080801.4, NM_080802.4, NM_001368885.1); c.1140+1G>A (NM_080800.4, NM_001368895.1); c.567+1G>A (NM_001368886.1); c.1194+1G>A (NM_001368883.1); c.1044+1G>A (NM_080805.4); c.1053+1G>A (NM_001368897.1); and 1 more.
Identifiers: ClinVar variation 1322106 (VCV001322106.7), dbSNP rs962070481, ClinGen allele CA376929061.

ClinVar aggregate classification (germline): Likely pathogenic (1 of 4 stars; one submission).

Submission:

Labcorp Genetics (formerly Invitae), Labcorp
Classification: Likely pathogenic. Last evaluated: 2025-03-19. Review status: criteria provided, single submitter. Criteria: Invitae Variant Classification Sherloc (09022015). Collection method: clinical testing. Allele origin: germline.
Comment: This sequence change affects a donor splice site in intron 22 of the COL13A1 gene. It is expected to disrupt RNA splicing. Variants that disrupt the donor or acceptor splice site typically lead to a loss of protein function (PMID: 16199547), and loss-of-function variants in COL13A1 are known to be pathogenic (PMID: 26626625). This variant is not present in population databases (gnomAD no frequency). This variant has not been reported in the literature in individuals affected with COL13A1-related conditions. ClinVar contains an entry for this variant (Variation ID: 1322106). Algorithms developed to predict the effect of sequence changes on RNA splicing suggest that this variant may disrupt the consensus splice site. In summary, the currently available evidence indicates that the variant is pathogenic, but additional data are needed to prove that conclusively. Therefore, this variant has been classified as Likely Pathogenic.

Literature cited by the submitters: PubMed 16199547; PubMed 26626625.